The following is an entry in ClinVar:

ClinVar aggregate classification (germline): Uncertain significance (1 of 4 stars; one submission).

Conditions:
Polyglandular autoimmune syndrome, type 1 (APS1). Also called: Autoimmune polyendocrine syndrome type 1; PGA I; Autoimmune polyendocrinopathy syndrome, type I; AUTOIMMUNE POLYENDOCRINE SYNDROME, TYPE I, WITH OR WITHOUT REVERSIBLE METAPHYSEAL DYSPLASIA; APS I; Whitaker syndrome. Identifiers: Orphanet 3453, MedGen C0085859, MONDO:0009411, OMIM 240300.

Submission:

Labcorp Genetics (formerly Invitae), Labcorp
Classification: Uncertain significance for Polyglandular autoimmune syndrome, type 1. Last evaluated: 2024-10-16. Review status: criteria provided, single submitter. Criteria: Invitae Variant Classification Sherloc (09022015). Collection method: clinical testing. Allele origin: germline.
Comment: This sequence change replaces lysine, which is basic and polar, with arginine, which is basic and polar, at codon 165 of the AIRE protein (p.Lys165Arg). This variant is not present in population databases (gnomAD no frequency). This variant has not been reported in the literature in individuals affected with AIRE-related conditions. Invitae Evidence Modeling of protein sequence and biophysical properties (such as structural, functional, and spatial information, amino acid conservation, physicochemical variation, residue mobility, and thermodynamic stability) has been performed for this missense variant. However, the output from this modeling did not meet the statistical confidence thresholds required to predict the impact of this variant on AIRE protein function. In summary, the available evidence is currently insufficient to determine the role of this variant in disease. Therefore, it has been classified as a Variant of Uncertain Significance.

NM_000383.4(AIRE):c.494A>G (p.Lys165Arg)

Gene: AIRE (autoimmune regulator; plus strand). Cytogenetic location: 21q22.3.
Variant type: single nucleotide variant.
Coding change: c.494A>G on transcript NM_000383.4 (MANE Select); coding-DNA position 494, A replaced by G.
Protein change: p.Lys165Arg; replaces lysine 165 with arginine.
Molecular consequence: missense variant.
Genome position (GRCh38, 1-based): chr21:44,287,547, A>G. VCF-style: chr21-44287547-A-G. GRCh37 (hg19) VCF-style: chr21-45707430-A-G.
Other names: short protein forms K165R.
Identifiers: ClinVar variation 2720896 (VCV002720896.3), dbSNP rs1019286745, ClinGen allele CA321787893.
Genomic context (GRCh38, chr21:44,287,547, plus strand): 5'-GGCCAGGCTGCCCCCAGCTCCCCCATTCAGGCTCTCAACTGAAGGCCAAGCCCCCCAAGA[A>G]GCCGGAGAGCAGCGCAGAGCAGCAGCGCCTTCCACTCGGGAACGGTGAGCGGGGCCCAGT-3'
Protein context (NP_000374.1, residues 155-175): GSQLKAKPPK[Lys165Arg]PESSAEQQRL